The following is an entry in ClinVar:

NM_002519.3(NPAT):c.755A>T (p.Lys252Ile)

Gene: NPAT (nuclear protein, coactivator of histone transcription; minus strand). Cytogenetic location: 11q22.3.
Variant type: single nucleotide variant.
Coding change: c.755A>T on transcript NM_002519.3 (MANE Select); coding-DNA position 755, A replaced by T.
Protein change: p.Lys252Ile; replaces lysine 252 with isoleucine.
Molecular consequence: missense variant.
Genome position (GRCh38, 1-based): chr11:108,185,466, T>A on the plus strand (A>T on the coding strand, the complement: NPAT is on the minus strand). VCF-style: chr11-108185466-T-A. GRCh37 (hg19) VCF-style: chr11-108056193-T-A.
Other names: c.755A>T, p.Lys252Ile (NM_001321307.1); short protein forms K252I.
Identifiers: ClinVar variation 2453748 (VCV002453748.2), dbSNP rs2496738131, ClinGen allele CA382521223.
Genomic context (GRCh38, chr11:108,185,466, plus strand): 5'-GTTAAAAATTTATTTATGTTTTCTGCTAGCTTTTCTTGAAGAGATTTGTTGCTTAGTATT[T>A]TTTCTCGTGCATTTTCAATAACCATTTGCTGGAAAAGAAAGCCACTGTTAGCAAAAGGAC-3'
Protein context (NP_002510.2, residues 242-262): KQMVIENARE[Lys252Ile]ILSNKSLQEK

ClinVar aggregate classification (germline): Uncertain significance (1 of 4 stars; one submission).

Submission:

Ambry Genetics
Classification: Uncertain significance. Last evaluated: 2022-12-05. Review status: criteria provided, single submitter. Criteria: Ambry Variant Classification Scheme 2023. Collection method: clinical testing. Allele origin: germline.
Comment: The p.K252I variant (also known as c.755A>T), located in coding exon 9 of the NPAT gene, results from an A to T substitution at nucleotide position 755. The lysine at codon 252 is replaced by isoleucine, an amino acid with dissimilar properties. This amino acid position is conserved. In addition, this alteration is predicted to be tolerated by in silico analysis. Since supporting evidence is limited at this time, the clinical significance of this alteration remains unclear.